The following is an entry in ClinVar:

ClinVar aggregate classification (germline): Uncertain significance (1 of 4 stars; one submission).

Submission:

GeneDx
Classification: Uncertain significance. Last evaluated: 2019-08-13. Review status: criteria provided, single submitter. Criteria: GeneDx Variant Classification Process June 2021. Collection method: clinical testing. Allele origin: germline. Affected: yes.
Comment: Not observed in large population cohorts (Lek et al., 2016); In silico analysis, which includes protein predictors and evolutionary conservation, supports that this variant does not alter protein structure/function; Has not been previously published as pathogenic or benign to our knowledge

NM_031407.7(HUWE1):c.8735A>G (p.Gln2912Arg)

Gene: HUWE1 (HECT, UBA and WWE domain containing E3 ubiquitin protein ligase 1; minus strand). Cytogenetic location: Xp11.22.
Variant type: single nucleotide variant.
Coding change: c.8735A>G on transcript NM_031407.7 (MANE Select); coding-DNA position 8735, A replaced by G.
Protein change: p.Gln2912Arg; replaces glutamine 2912 with arginine.
Molecular consequence: missense variant.
Genome position (GRCh38, 1-based): chrX:53,552,653, T>C on the plus strand (A>G on the coding strand, the complement: HUWE1 is on the minus strand). VCF-style: chrX-53552653-T-C. GRCh37 (hg19) VCF-style: chrX-53579614-T-C.
Other names: short protein forms Q2912R.
Identifiers: ClinVar variation 1307571 (VCV001307571.2), dbSNP rs2147334334, ClinGen allele CA413145688.